The following is an entry in ClinVar:

ClinVar aggregate classification (germline): Uncertain significance. Review status: criteria provided, multiple submitters, no conflicts (2 of 4 stars). 2 submissions from 2 submitters: Uncertain significance (2). Last evaluated 2025-12-23.

Conditions:
Dilated cardiomyopathy 1W (CMD1W). Identifiers: Orphanet 154, MedGen C1969639, MONDO:0012667, OMIM 611407.

gnomAD v4.1: 1 of 1,614,222 alleles (0.000062%); highest among the groups gnomAD compares: Non-Finnish European, 0.000085%; no homozygotes.

Submissions (2):

Labcorp Genetics (formerly Invitae), Labcorp
Classification: Uncertain significance for Dilated cardiomyopathy 1W. Last evaluated: 2025-12-23. Review status: criteria provided, single submitter. Criteria: Invitae Variant Classification Sherloc (09022015). Collection method: clinical testing. Allele origin: germline.
Comment: This sequence change replaces isoleucine, which is neutral and non-polar, with valine, which is neutral and non-polar, at codon 744 of the VCL protein (p.Ile744Val). This variant is not present in population databases (gnomAD no frequency). This variant has not been reported in the literature in individuals affected with VCL-related conditions. ClinVar contains an entry for this variant (Variation ID: 806514). An algorithm developed to predict the effect of missense changes on protein structure and function (PolyPhen-2) suggests that this variant is likely to be tolerated. In summary, the available evidence is currently insufficient to determine the role of this variant in disease. Therefore, it has been classified as a Variant of Uncertain Significance.

CeGaT Center for Human Genetics Tuebingen
Classification: Uncertain significance. Last evaluated: 2016-06-01. Review status: criteria provided, single submitter. Criteria: CeGaT Center For Human Genetics Tuebingen Variant Classification Criteria Version 2. Collection method: clinical testing. Allele origin: germline. Affected: yes. Observed: 1 variant allele.

NM_014000.3(VCL):c.2230A>G (p.Ile744Val)

Gene: VCL (vinculin; plus strand). Cytogenetic location: 10q22.2.
Variant type: single nucleotide variant.
Coding change: c.2230A>G on transcript NM_014000.3 (MANE Select); coding-DNA position 2230, A replaced by G.
Protein change: p.Ile744Val; replaces isoleucine 744 with valine.
Molecular consequence: missense variant.
Genome position (GRCh38, 1-based): chr10:74,105,149, A>G. VCF-style: chr10-74105149-A-G. GRCh37 (hg19) VCF-style: chr10-75864907-A-G.
Other names: c.2230A>G, p.Ile744Val (NM_003373.4); short protein forms I744V.
Identifiers: ClinVar variation 806514 (VCV000806514.43), dbSNP rs1591713099, ClinGen allele CA377262169.